The following is an entry in ClinVar:

ClinVar aggregate classification (germline): Uncertain significance. Review status: criteria provided, multiple submitters, no conflicts (2 of 4 stars). 2 submissions from 2 submitters: Uncertain significance (2). Last evaluated 2024-03-21.

Conditions:
Joubert syndrome 3 (JBTS3). Also called: AHI1-related Ciliopathy. Identifiers: Orphanet 220493, MedGen C1837713, MONDO:0012078, OMIM 608629.
Joubert syndrome. Also called: Familial aplasia of the vermis; CEREBELLOPARENCHYMAL DISORDER IV; JOUBERT-BOLTSHAUSER SYNDROME. Identifiers: Orphanet 475, MedGen C5979921, MONDO:0018772.

Allele frequency attached by ClinVar (database versions not stated): gnomAD exomes below 0.00001.
gnomAD v4.1: 2 of 1,604,290 alleles (0.00012%); highest among the groups gnomAD compares: Non-Finnish European, 0.00017%; no homozygotes.

Submissions (2):

Fulgent Genetics
Classification: Uncertain significance for Joubert syndrome 3. Last evaluated: 2024-03-21. Review status: criteria provided, single submitter. Criteria: ACMG Guidelines, 2015. Collection method: clinical testing. Allele origin: germline.

Labcorp Genetics (formerly Invitae), Labcorp
Classification: Uncertain significance for Joubert syndrome. Last evaluated: 2021-08-30. Review status: criteria provided, single submitter. Criteria: Invitae Variant Classification Sherloc (09022015). Collection method: clinical testing. Allele origin: germline.
Comment: This sequence change replaces threonine with alanine at codon 297 of the AHI1 protein (p.Thr297Ala). The threonine residue is weakly conserved and there is a small physicochemical difference between threonine and alanine. This variant is not present in population databases (ExAC no frequency). This variant has not been reported in the literature in individuals affected with AHI1-related conditions. Advanced modeling of protein sequence and biophysical properties (such as structural, functional, and spatial information, amino acid conservation, physicochemical variation, residue mobility, and thermodynamic stability) performed at Invitae indicates that this missense variant is not expected to disrupt AHI1 protein function. In summary, the available evidence is currently insufficient to determine the role of this variant in disease. Therefore, it has been classified as a Variant of Uncertain Significance.

NM_001134831.2(AHI1):c.889A>G (p.Thr297Ala)

Gene: AHI1 (Abelson helper integration site 1; minus strand). Cytogenetic location: 6q23.3.
Variant type: single nucleotide variant.
Coding change: c.889A>G on transcript NM_001134831.2 (MANE Select); coding-DNA position 889, A replaced by G.
Protein change: p.Thr297Ala; replaces threonine 297 with alanine.
Molecular consequence: missense variant.
Genome position (GRCh38, 1-based): chr6:135,463,167, T>C on the plus strand (A>G on the coding strand, the complement: AHI1 is on the minus strand). VCF-style: chr6-135463167-T-C. GRCh37 (hg19) VCF-style: chr6-135784305-T-C.
Other names: c.889A>G, p.Thr297Ala (NM_001134830.2, NM_001134832.2, NM_001350503.2 and 2 more transcripts); c.889A>G (NM_017651.4); short protein forms T297A.
Identifiers: ClinVar variation 1023964 (VCV001023964.7), dbSNP rs1790189960, ClinGen allele CA365749037.